The following is an entry in ClinVar:

ClinVar aggregate classification (germline): Uncertain significance (1 of 4 stars; one submission).

Conditions:
Singleton-Merten syndrome 1 (SGMRT1). Also called: Widened medullary cavities of bone, aortic calcification, abnormal dentition, and muscular weakness; Syndrome of widened medullary cavities of the metacarpals and phalanges, aortic calcification and abnormal dentition. Identifiers: Orphanet 85191, MedGen C4225427, MONDO:0024535, OMIM 182250.
Aicardi-Goutieres syndrome 7 (AGS7). Identifiers: Orphanet 51, MedGen C3888244, MONDO:0014367, OMIM 615846.

Allele frequency attached by ClinVar (database versions not stated): gnomAD 0.00001.
gnomAD v4.1: 7 of 1,612,002 alleles (0.00043%); highest among the groups gnomAD compares: Non-Finnish European, 0.00059%; no homozygotes.

Submission:

Labcorp Genetics (formerly Invitae), Labcorp
Classification: Uncertain significance for Aicardi-Goutieres syndrome 7; Singleton-Merten syndrome 1. Last evaluated: 2023-10-22. Review status: criteria provided, single submitter. Criteria: Invitae Variant Classification Sherloc (09022015). Collection method: clinical testing. Allele origin: germline.
Comment: This sequence change replaces serine, which is neutral and polar, with asparagine, which is neutral and polar, at codon 273 of the IFIH1 protein (p.Ser273Asn). This variant is not present in population databases (gnomAD no frequency). This variant has not been reported in the literature in individuals affected with IFIH1-related conditions. ClinVar contains an entry for this variant (Variation ID: 1011231). Advanced modeling of protein sequence and biophysical properties (such as structural, functional, and spatial information, amino acid conservation, physicochemical variation, residue mobility, and thermodynamic stability) has been performed at Invitae for this missense variant, however the output from this modeling did not meet the statistical confidence thresholds required to predict the impact of this variant on IFIH1 protein function. In summary, the available evidence is currently insufficient to determine the role of this variant in disease. Therefore, it has been classified as a Variant of Uncertain Significance.

NM_022168.4(IFIH1):c.818G>A (p.Ser273Asn)

Gene: IFIH1 (interferon induced with helicase C domain 1; minus strand). Cytogenetic location: 2q24.2.
Variant type: single nucleotide variant.
Coding change: c.818G>A on transcript NM_022168.4 (MANE Select); coding-DNA position 818, G replaced by A.
Protein change: p.Ser273Asn; replaces serine 273 with asparagine.
Molecular consequence: missense variant.
Genome position (GRCh38, 1-based): chr2:162,293,620, C>T on the plus strand (G>A on the coding strand, the complement: IFIH1 is on the minus strand). VCF-style: chr2-162293620-C-T. GRCh37 (hg19) VCF-style: chr2-163150130-C-T.
Other names: short protein forms S273N.
Identifiers: ClinVar variation 1011231 (VCV001011231.8), dbSNP rs1683037048, ClinGen allele CA349006038.